The following is an entry in ClinVar:

ClinVar aggregate classification (germline): Likely pathogenic (1 of 4 stars; one submission).

Conditions:
Neurodevelopmental disorder with dysmorphic facies and distal skeletal anomalies. Identifiers: MedGen C5231448, MONDO:0032855, OMIM 618659.

Submission:

Clinical Genomics Laboratory, Washington University in St. Louis
Classification: Likely pathogenic for Neurodevelopmental disorder with dysmorphic facies and distal skeletal anomalies. Last evaluated: 2026-04-21. Review status: criteria provided, single submitter. Criteria: ACMG Guidelines, 2015. Collection method: clinical testing. Allele origin: germline. Affected: yes.
Comment: The ZMIZ1 c.1275dup (p.Thr426Hisfs*51) variant, to our knowledge, has not been reported in the medical literature. This variant is absent from the general population (gnomAD v4.1.0), indicating it is not a common variant. This variant causes a frameshift by inserting a single nucleotide, leading to a premature termination codon, which is predicted to lead to nonsense-mediated decay. Based on available information and the ACMG/AMP guidelines for variant interpretation (Richards S et al., PMID: 25741868), this variant is classified as likely pathogenic.

NM_020338.4(ZMIZ1):c.1275dup (p.Thr426fs)

Gene: ZMIZ1 (zinc finger MIZ-type containing 1; plus strand). Cytogenetic location: 10q22.3.
Variant type: Duplication.
Coding change: c.1275dup on transcript NM_020338.4 (MANE Select); coding-DNA position 1275, one base duplicated (C; older notation c.1275dupC).
Protein change: p.Thr426fs; shifts the reading frame from threonine 426.
Molecular consequence: frameshift variant.
Genome position (GRCh38, 1-based): chr10:79,296,515, C duplicated; the last of 4 consecutive C bases (chr10:79,296,512-79,296,515); duplicating any one gives the same sequence. VCF-style (leftmost placement, unchanged base first): chr10-79296511-T-TC. GRCh37 (hg19) VCF-style: chr10-81056268-T-TC.
Other names: short protein forms T426fs.
Identifiers: ClinVar variation 4879511 (VCV004879511.1).